The following is an entry in ClinVar:

NM_001042492.3(NF1):c.1487T>G (p.Met496Arg)

Gene: NF1 (neurofibromin 1; plus strand). Cytogenetic location: 17q11.2.
Variant type: single nucleotide variant.
Coding change: c.1487T>G on transcript NM_001042492.3 (MANE Select); coding-DNA position 1487, T replaced by G.
Protein change: p.Met496Arg; replaces methionine 496 with arginine.
Molecular consequence: missense variant.
Genome position (GRCh38, 1-based): chr17:31,214,545, T>G. VCF-style: chr17-31214545-T-G. GRCh37 (hg19) VCF-style: chr17-29541563-T-G.
Other names: c.1487T>G, p.Met496Arg (NM_000267.4, NM_001128147.3); short protein forms M496R.
Identifiers: ClinVar variation 4698301 (VCV004698301.1).

ClinVar aggregate classification (germline): Uncertain significance (1 of 4 stars; one submission).

Conditions:
Neurofibromatosis, type 1 (NF1). Also called: Peripheral type neurofibromatosis; VON RECKLINGHAUSEN DISEASE; Neurofibromatosis, type I; NEUROFIBROMATOSIS, TYPE I, SOMATIC. Identifiers: Orphanet 636, MedGen C0027831, MONDO:0018975, OMIM 162200. Disease mechanism: loss of function.

Submission:

Labcorp Genetics (formerly Invitae), Labcorp
Classification: Uncertain significance for Neurofibromatosis, type 1. Last evaluated: 2025-12-12. Review status: criteria provided, single submitter. Criteria: Invitae Variant Classification Sherloc (09022015). Collection method: clinical testing. Allele origin: germline.
Comment: This sequence change replaces methionine, which is neutral and non-polar, with arginine, which is basic and polar, at codon 496 of the NF1 protein (p.Met496Arg). This variant is not present in population databases (gnomAD no frequency). This missense change has been observed in individual(s) with neurofibromatosis, type 1 (PMID: 31370276; internal data). Invitae Evidence Modeling of protein sequence and biophysical properties (such as structural, functional, and spatial information, amino acid conservation, physicochemical variation, residue mobility, and thermodynamic stability) indicates that this missense variant is not expected to disrupt NF1 protein function with a negative predictive value of 95%. In summary, the available evidence is currently insufficient to determine the role of this variant in disease. Therefore, it has been classified as a Variant of Uncertain Significance.

Literature cited by the submitters: PubMed 31370276.